The following is an entry in ClinVar:

ClinVar aggregate classification (germline): Uncertain significance (1 of 4 stars; one submission).

Conditions:
Cardiovascular phenotype. Identifiers: MedGen CN230736.

Submission:

Ambry Genetics
Classification: Uncertain significance for Cardiovascular phenotype. Last evaluated: 2022-05-29. Review status: criteria provided, single submitter. Criteria: Ambry Variant Classification Scheme 2023. Collection method: clinical testing. Allele origin: germline.
Comment: The p.I522M variant (also known as c.1566T>G), located in coding exon 13 of the PTPN11 gene, results from a T to G substitution at nucleotide position 1566. The isoleucine at codon 522 is replaced by methionine, an amino acid with highly similar properties. This amino acid position is conserved. In addition, this alteration is predicted to be deleterious by in silico analysis. Since supporting evidence is limited at this time, the clinical significance of this alteration remains unclear.

NM_002834.5(PTPN11):c.1566T>G (p.Ile522Met)

Gene: PTPN11 (protein tyrosine phosphatase non-receptor type 11; plus strand). Cytogenetic location: 12q24.13.
Variant type: single nucleotide variant.
Coding change: c.1566T>G on transcript NM_002834.5 (MANE Select); coding-DNA position 1566, T replaced by G.
Protein change: p.Ile522Met; replaces isoleucine 522 with methionine.
Molecular consequence: missense variant.
Genome position (GRCh38, 1-based): chr12:112,489,142, T>G. VCF-style: chr12-112489142-T-G. GRCh37 (hg19) VCF-style: chr12-112926946-T-G.
Other names: c.1578T>G, p.Ile526Met (NM_001330437.2); c.1563T>G, p.Ile521Met (NM_001374625.1); short protein forms I521M, I526M, I522M.
Identifiers: ClinVar variation 1775392 (VCV001775392.2), dbSNP rs2135916645, ClinGen allele CA386780054.
Genomic context (GRCh38, chr12:112,489,142, plus strand): 5'-AGGGATGGTCCAGACAGAAGCACAGTACCGATTTATCTATATGGCGGTCCAGCATTATAT[T>G]GAAACACTACAGCGCAGGATTGAAGAAGAGCAGGTACCAGCCTGAGGGCTGGCATGCGGA-3'
Protein context (NP_002825.3, residues 512-532): RFIYMAVQHY[Ile522Met]ETLQRRIEEE